The following is an entry in ClinVar:

ClinVar aggregate classification (germline): Uncertain significance. Review status: criteria provided, multiple submitters, no conflicts (2 of 4 stars). 2 submissions from 2 submitters: Uncertain significance (2). Last evaluated 2025-12-08.

Conditions:
Inborn genetic diseases. Identifiers: MedGen C0950123, MeSH D030342.

Allele frequency attached by ClinVar (database versions not stated): gnomAD 0.00001; TOPMed 0.00001.
gnomAD v4.1: 25 of 1,614,136 alleles (0.0015%); highest among the groups gnomAD compares: Non-Finnish European, 0.002%; no homozygotes.

Submissions (2):

Labcorp Genetics (formerly Invitae), Labcorp
Classification: Uncertain significance. Last evaluated: 2025-12-08. Review status: criteria provided, single submitter. Criteria: Invitae Variant Classification Sherloc (09022015). Collection method: clinical testing. Allele origin: germline.
Comment: This sequence change replaces histidine with glutamine at codon 463 of the ADAMTS17 protein (p.His463Gln). The histidine residue is highly conserved and there is a small physicochemical difference between histidine and glutamine. This variant is not present in population databases (gnomAD no frequency). This variant has not been reported in the literature in individuals affected with ADAMTS17-related conditions. ClinVar contains an entry for this variant (Variation ID: 1445140). An algorithm developed to predict the effect of missense changes on protein structure and function (PolyPhen-2) suggests that this variant is likely to be tolerated. In summary, the available evidence is currently insufficient to determine the role of this variant in disease. Therefore, it has been classified as a Variant of Uncertain Significance.

Ambry Genetics
Classification: Uncertain significance for Inborn genetic diseases. Last evaluated: 2024-07-31. Review status: criteria provided, single submitter. Criteria: Ambry Variant Classification Scheme 2023. Collection method: clinical testing. Allele origin: germline.

NM_139057.4(ADAMTS17):c.1389C>A (p.His463Gln)

Gene: ADAMTS17 (ADAM metallopeptidase with thrombospondin type 1 motif 17; minus strand). Cytogenetic location: 15q26.3.
Variant type: single nucleotide variant.
Coding change: c.1389C>A on transcript NM_139057.4 (MANE Select); coding-DNA position 1389, C replaced by A.
Protein change: p.His463Gln; replaces histidine 463 with glutamine.
Molecular consequence: missense variant.
Genome position (GRCh38, 1-based): chr15:100,152,696, G>T on the plus strand (C>A on the coding strand, the complement: ADAMTS17 is on the minus strand). VCF-style: chr15-100152696-G-T. GRCh37 (hg19) VCF-style: chr15-100692901-G-T.
Other names: c.1389C>A (NM_139057.2); short protein forms H463Q.
Identifiers: ClinVar variation 1445140 (VCV001445140.8), dbSNP rs1312451522, ClinGen allele CA393934220.
Genomic context (GRCh38, chr15:100,152,696, plus strand): 5'-ATTCATGCCAAACAGGATCTGGCACTGCTCGTTGGCACTGTAGTGCATGCCCGGCAGCTT[G>T]TGCGGGAGGCGTACTGTGTGCTGGCTTCTGGGGTCCGTGACTAGCAAGCAGGTGCTGACT-3'
Protein context (NP_620688.2, residues 453-473): PRSQHTVRLP[His463Gln]KLPGMHYSAN